The following is an entry in ClinVar:

ClinVar aggregate classification (germline): Uncertain significance (1 of 4 stars; one submission).

Allele frequency attached by ClinVar (database versions not stated): gnomAD exomes below 0.00001.
gnomAD v4.1: 1 of 1,572,624 alleles (0.000064%); highest among the groups gnomAD compares: Non-Finnish European, 0.000086%; no homozygotes.

Submission:

Labcorp Genetics (formerly Invitae), Labcorp
Classification: Uncertain significance. Last evaluated: 2022-05-29. Review status: criteria provided, single submitter. Criteria: Invitae Variant Classification Sherloc (09022015). Collection method: clinical testing. Allele origin: germline.
Comment: In summary, the available evidence is currently insufficient to determine the role of this variant in disease. Therefore, it has been classified as a Variant of Uncertain Significance. Algorithms developed to predict the effect of missense changes on protein structure and function (SIFT, PolyPhen-2, Align-GVGD) all suggest that this variant is likely to be tolerated. This variant has not been reported in the literature in individuals affected with CACNA2D4-related conditions. This variant is not present in population databases (gnomAD no frequency). This sequence change replaces serine, which is neutral and polar, with glycine, which is neutral and non-polar, at codon 994 of the CACNA2D4 protein (p.Ser994Gly).

NM_172364.5(CACNA2D4):c.2980A>G (p.Ser994Gly)

Gene: CACNA2D4 (calcium voltage-gated channel auxiliary subunit alpha2delta 4; minus strand). Cytogenetic location: 12p13.33.
Variant type: single nucleotide variant.
Coding change: c.2980A>G on transcript NM_172364.5 (MANE Select); coding-DNA position 2980, A replaced by G.
Protein change: p.Ser994Gly; replaces serine 994 with glycine.
Molecular consequence: missense variant.
Genome position (GRCh38, 1-based): chr12:1,799,690, T>C on the plus strand (A>G on the coding strand, the complement: CACNA2D4 is on the minus strand). VCF-style: chr12-1799690-T-C. GRCh37 (hg19) VCF-style: chr12-1908856-T-C.
Other names: short protein forms S994G.
Identifiers: ClinVar variation 2183926 (VCV002183926.4), dbSNP rs1009664945, ClinGen allele CA231522153.